The following is an entry in ClinVar:

NM_012213.3(MLYCD):c.224A>T (p.Tyr75Phe)

Gene: MLYCD (malonyl-CoA decarboxylase; plus strand). Cytogenetic location: 16q23.3.
Variant type: single nucleotide variant.
Coding change: c.224A>T on transcript NM_012213.3 (MANE Select); coding-DNA position 224, A replaced by T.
Protein change: p.Tyr75Phe; replaces tyrosine 75 with phenylalanine.
Molecular consequence: missense variant.
Genome position (GRCh38, 1-based): chr16:83,899,368, A>T. VCF-style: chr16-83899368-A-T. GRCh37 (hg19) VCF-style: chr16-83932973-A-T.
Other names: short protein forms Y75F.
Identifiers: ClinVar variation 1304741 (VCV001304741.4), dbSNP rs745379940, ClinGen allele CA8197183.

ClinVar aggregate classification (germline): Uncertain significance. Review status: criteria provided, multiple submitters, no conflicts (2 of 4 stars). 2 submissions from 2 submitters: Uncertain significance (2). Last evaluated 2025-05-16.

Conditions:
Inborn genetic diseases. Identifiers: MedGen C0950123, MeSH D030342.

gnomAD v4.1: 3 of 1,527,358 alleles (0.0002%); highest among the groups gnomAD compares: African/African-American, 0.0014%; no homozygotes.

Submissions (2):

Ambry Genetics
Classification: Uncertain significance for Inborn genetic diseases. Last evaluated: 2025-05-16. Review status: criteria provided, single submitter. Criteria: Ambry Variant Classification Scheme 2023. Collection method: clinical testing. Allele origin: germline.

GeneDx
Classification: Uncertain significance. Last evaluated: 2025-02-03. Review status: criteria provided, single submitter. Criteria: GeneDx Variant Classification Process June 2021. Collection method: clinical testing. Allele origin: germline. Affected: yes.
Comment: Not observed at significant frequency in large population cohorts (gnomAD); In silico analysis indicates that this missense variant does not alter protein structure/function; Has not been previously published as pathogenic or benign to our knowledge